The following is an entry in ClinVar:

ClinVar aggregate classification (germline): Benign (1 of 4 stars; one submission).

Allele frequency attached by ClinVar (database versions not stated): 1000 Genomes Project 30x 0.00687; 1000 Genomes Project 0.00699; TOPMed 0.01446; gnomAD 0.01510; ExAC 0.01529; ESP Exome Variant Server 0.01807.

Submission:

CeGaT Center for Human Genetics Tuebingen
Classification: Benign. Last evaluated: 2024-07-01. Review status: criteria provided, single submitter. Criteria: CeGaT Center For Human Genetics Tuebingen Variant Classification Criteria Version 2. Collection method: clinical testing. Allele origin: germline. Affected: yes. Observed: 2 variant alleles.
Comment: FGL1: BS1, BS2

NM_004467.4(FGL1):c.419A>T (p.Tyr140Phe)

Gene: FGL1 (fibrinogen like 1; minus strand). Cytogenetic location: 8p22.
Variant type: single nucleotide variant.
Coding change: c.419A>T on transcript NM_004467.4 (MANE Select); coding-DNA position 419, A replaced by T.
Protein change: p.Tyr140Phe; replaces tyrosine 140 with phenylalanine.
Molecular consequence: missense variant.
Genome position (GRCh38, 1-based): chr8:17,874,102, T>A on the plus strand (A>T on the coding strand, the complement: FGL1 is on the minus strand). VCF-style: chr8-17874102-T-A. GRCh37 (hg19) VCF-style: chr8-17731611-T-A.
Other names: c.419A>T, p.Tyr140Phe (NM_147203.2, NM_201552.1, NM_201553.1); short protein forms Y140F.
Identifiers: ClinVar variation 3024712 (VCV003024712.22), dbSNP rs35431851, ClinGen allele CA4647831.
Genomic context (GRCh38, chr8:17,874,102, plus strand): 5'-TTTTTATTGCCCAGCCAATATTCACCATGTTTTTGGACAAAATTTCCAAAGCCATTTTCA[T>A]AGTCTTTCCATCCTCTAAAAAAGGTAAAGTGGAAGCCGATTAGAGCAAACTCCATTTGTG-3'
Protein context (NP_004458.3, residues 130-150): SENFNRGWKD[Tyr140Phe]ENGFGNFVQK